The following is an entry in ClinVar:

NM_022455.5(NSD1):c.76G>A (p.Glu26Lys)

Gene: NSD1 (nuclear receptor binding SET domain protein 1; plus strand). Cytogenetic location: 5q35.3.
Variant type: single nucleotide variant.
Coding change: c.76G>A on transcript NM_022455.5 (MANE Select); coding-DNA position 76, G replaced by A.
Protein change: p.Glu26Lys; replaces glutamic acid 26 with lysine.
Molecular consequence: missense variant. On other transcripts: 5 prime UTR variant (7).
Genome position (GRCh38, 1-based): chr5:177,135,179, G>A. VCF-style: chr5-177135179-G-A. GRCh37 (hg19) VCF-style: chr5-176562180-G-A.
Other names: c.-58G>A (NM_001409307.1, NM_001409308.1, NM_001409309.1 and 4 more transcripts); c.76G>A, p.Glu26Lys (NM_001409301.1, NM_001409302.1, NM_001409303.1 and 1 more transcripts); short protein forms E26K.
Identifiers: ClinVar variation 3604888 (VCV003604888.2).

ClinVar aggregate classification (germline): Uncertain significance (1 of 4 stars; one submission).

gnomAD v4.1: 2 of 1,614,030 alleles (0.00012%); highest among the groups gnomAD compares: Admixed American, 0.0017%; no homozygotes.

Submission:

Labcorp Genetics (formerly Invitae), Labcorp
Classification: Uncertain significance. Last evaluated: 2024-08-28. Review status: criteria provided, single submitter. Criteria: Invitae Variant Classification Sherloc (09022015). Collection method: clinical testing. Allele origin: germline.
Comment: This sequence change replaces glutamic acid, which is acidic and polar, with lysine, which is basic and polar, at codon 26 of the NSD1 protein (p.Glu26Lys). This variant is not present in population databases (gnomAD no frequency). This variant has not been reported in the literature in individuals affected with NSD1-related conditions. Invitae Evidence Modeling of protein sequence and biophysical properties (such as structural, functional, and spatial information, amino acid conservation, physicochemical variation, residue mobility, and thermodynamic stability) indicates that this missense variant is not expected to disrupt NSD1 protein function with a negative predictive value of 95%. In summary, the available evidence is currently insufficient to determine the role of this variant in disease. Therefore, it has been classified as a Variant of Uncertain Significance.